The following is an entry in ClinVar:

NM_000038.6(APC):c.934-1G>A

Gene: APC (APC regulator of WNT signaling pathway; plus strand). Cytogenetic location: 5q22.2.
Variant type: single nucleotide variant.
Coding change: c.934-1G>A on transcript NM_000038.6 (MANE Select); the canonical splice acceptor site of the intron before coding-DNA position 934, G replaced by A.
Molecular consequence: splice acceptor variant. On other transcripts: intron variant (15).
Genome position (GRCh38, 1-based): chr5:112,818,965, G>A. VCF-style: chr5-112818965-G-A. GRCh37 (hg19) VCF-style: chr5-112154662-G-A.
Other names: c.85-1G>A (NM_001407470.1, NM_001354906.2); c.85-304G>A (NM_001407472.1, NM_001407471.1); c.934-1G>A (NM_001407447.1, NM_001354895.2, NM_001407448.1 and 4 more transcripts); c.934-304G>A (NM_001407456.1, NM_001407460.1, NM_001407457.1 and 5 more transcripts); c.850-1G>A (NM_001407452.1, NM_001354899.2); c.850-304G>A (NM_001407469.1, NM_001407467.1); c.964-1G>A (NM_001407446.1, NM_001354897.2); c.964-304G>A (NM_001354902.2); and 5 more.
Identifiers: ClinVar variation 3338769 (VCV003338769.1).

ClinVar aggregate classification (germline): Uncertain significance (1 of 4 stars; one submission).

Submission:

GeneDx
Classification: Uncertain significance. Last evaluated: 2023-08-10. Review status: criteria provided, single submitter. Criteria: GeneDx Variant Classification Process June 2021. Collection method: clinical testing. Allele origin: germline. Affected: yes.
Comment: Not observed at significant frequency in large population cohorts (gnomAD); Canonical splice site variant with an unclear effect on protein function; Has not been previously published as pathogenic or benign to our knowledge